The following is an entry in ClinVar:

ClinVar aggregate classification (germline): Uncertain significance (1 of 4 stars; one submission).

Allele frequency attached by ClinVar (database versions not stated): TOPMed below 0.00001; gnomAD exomes 0.00001.
gnomAD v4.1: 13 of 1,613,584 alleles (0.00081%); highest among the groups gnomAD compares: Admixed American, 0.0017%; no homozygotes.

Submission:

Labcorp Genetics (formerly Invitae), Labcorp
Classification: Uncertain significance. Last evaluated: 2022-10-24. Review status: criteria provided, single submitter. Criteria: Invitae Variant Classification Sherloc (09022015). Collection method: clinical testing. Allele origin: germline.
Comment: This sequence change replaces glutamic acid, which is acidic and polar, with lysine, which is basic and polar, at codon 183 of the LAMC3 protein (p.Glu183Lys). This variant is present in population databases (no rsID available, gnomAD 0.004%). This variant has not been reported in the literature in individuals affected with LAMC3-related conditions. Algorithms developed to predict the effect of missense changes on protein structure and function are either unavailable or do not agree on the potential impact of this missense change (SIFT: "Deleterious"; PolyPhen-2: "Possibly Damaging"; Align-GVGD: "Class C0"). In summary, the available evidence is currently insufficient to determine the role of this variant in disease. Therefore, it has been classified as a Variant of Uncertain Significance.

NM_006059.4(LAMC3):c.547G>A (p.Glu183Lys)

Gene: LAMC3 (laminin subunit gamma 3; plus strand). Cytogenetic location: 9q34.12.
Variant type: single nucleotide variant.
Coding change: c.547G>A on transcript NM_006059.4 (MANE Select); coding-DNA position 547, G replaced by A.
Protein change: p.Glu183Lys; replaces glutamic acid 183 with lysine.
Molecular consequence: missense variant.
Genome position (GRCh38, 1-based): chr9:131,026,458, G>A. VCF-style: chr9-131026458-G-A. GRCh37 (hg19) VCF-style: chr9-133901845-G-A.
Other names: short protein forms E183K.
Identifiers: ClinVar variation 1903843 (VCV001903843.2), dbSNP rs1010124787, ClinGen allele CA200674072.